The following is an entry in ClinVar:

ClinVar aggregate classification (germline): Uncertain significance. Review status: criteria provided, multiple submitters, no conflicts (2 of 4 stars). 4 submissions from 4 submitters: Uncertain significance (3). 1 of the submissions does not count toward it. Last evaluated 2025-08-22.

Conditions:
Inborn genetic diseases. Identifiers: MedGen C0950123, MeSH D030342.
Dyskeratosis congenita. Identifiers: Orphanet 1775, MedGen C0265965, MONDO:0015780.
CTC1-related disorder. Also called: CTC1-related condition.

Allele frequency attached by ClinVar (database versions not stated): gnomAD exomes below 0.00001; gnomAD 0.00002; TOPMed 0.00002.
gnomAD v4.1: 9 of 1,613,920 alleles (0.00056%); highest among the groups gnomAD compares: East Asian, 0.0045%; no homozygotes.

Submissions (4):

Ambry Genetics
Classification: Uncertain significance for Inborn genetic diseases. Last evaluated: 2025-08-22. Review status: criteria provided, single submitter. Criteria: Ambry Variant Classification Scheme 2023. Collection method: clinical testing. Allele origin: germline.

Labcorp Genetics (formerly Invitae), Labcorp
Classification: Uncertain significance for Dyskeratosis congenita. Last evaluated: 2023-04-27. Review status: criteria provided, single submitter. Criteria: Invitae Variant Classification Sherloc (09022015). Collection method: clinical testing. Allele origin: germline.
Comment: This sequence change replaces arginine, which is basic and polar, with cysteine, which is neutral and slightly polar, at codon 292 of the CTC1 protein (p.Arg292Cys). This variant is not present in population databases (gnomAD no frequency). In summary, the available evidence is currently insufficient to determine the role of this variant in disease. Therefore, it has been classified as a Variant of Uncertain Significance. Advanced modeling of protein sequence and biophysical properties (such as structural, functional, and spatial information, amino acid conservation, physicochemical variation, residue mobility, and thermodynamic stability) performed at Invitae indicates that this missense variant is not expected to disrupt CTC1 protein function. ClinVar contains an entry for this variant (Variation ID: 1691974). This variant has not been reported in the literature in individuals affected with CTC1-related conditions.

Sema4
Classification: Uncertain significance for Dyskeratosis congenita. Last evaluated: 2021-08-18. Review status: criteria provided, single submitter. Criteria: Sema4 Curation Guidelines. Collection method: curation. Allele origin: germline.
Comment: The CTC1 c.874C>T (p.R292C) variant has not been reported in the literature to our knowledge. It was not observed in the large and broad cohorts of the Genome Aggregation Database (PMID: 32461654). The variant has not been reported in ClinVar. Functional studies have not been performed, and in silico predictions of the variant's effect on protein function are inconclusive. The evidence is insufficient to meet ACMG/AMP criteria for classifying the variant as benign or pathogenic. Thus, the clinical significance of this variant is currently uncertain.

PreventionGenetics, part of Exact Sciences
Classification: Uncertain significance for CTC1-related condition. Last evaluated: 2024-06-10. Review status: no assertion criteria provided. Collection method: clinical testing. Allele origin: germline. Not counted in ClinVar's aggregate classification.
Comment: The CTC1 c.874C>T variant is predicted to result in the amino acid substitution p.Arg292Cys. To our knowledge, this variant has not been reported in the literature or in a large population database, indicating this variant is rare. At this time, the clinical significance of this variant is uncertain due to the absence of conclusive functional and genetic evidence.

NM_025099.6(CTC1):c.874C>T (p.Arg292Cys)

Gene: CTC1 (CST telomere replication complex component 1; minus strand). Cytogenetic location: 17p13.1.
Variant type: single nucleotide variant.
Coding change: c.874C>T on transcript NM_025099.6 (MANE Select); coding-DNA position 874, C replaced by T.
Protein change: p.Arg292Cys; replaces arginine 292 with cysteine.
Molecular consequence: missense variant. On other transcripts: non-coding transcript variant (1).
Genome position (GRCh38, 1-based): chr17:8,236,261, G>A on the plus strand (C>T on the coding strand, the complement: CTC1 is on the minus strand). VCF-style: chr17-8236261-G-A. GRCh37 (hg19) VCF-style: chr17-8139579-G-A.
Other names: short protein forms R292C.
Identifiers: ClinVar variation 1691974 (VCV001691974.6), dbSNP rs1013688033, ClinGen allele CA287537663.